The following is an entry in ClinVar:

ClinVar aggregate classification (germline): Pathogenic (1 of 4 stars; one submission).

Conditions:
Joubert syndrome 25 (JBTS25). Identifiers: Orphanet 475, MedGen C4084842, MONDO:0014770, OMIM 616781.

Submission:

Labcorp Genetics (formerly Invitae), Labcorp
Classification: Pathogenic for Joubert syndrome 25. Last evaluated: 2017-09-13. Review status: criteria provided, single submitter. Criteria: Invitae Variant Classification Sherloc (09022015). Collection method: clinical testing. Allele origin: germline.
Comment: This sequence change creates a premature translational stop signal (p.Pro361Leufs*37) in the CEP104 gene. It is expected to result in an absent or disrupted protein product. The frequency data for this variant in the population databases is considered unreliable, as metrics indicate poor data quality at this position in the ExAC database. This variant has not been reported in the literature in individuals with CEP104-related disease. Loss-of-function variants in CEP104 are known to be pathogenic (PMID: 26477546). For these reasons, this variant has been classified as Pathogenic.

Literature cited by the submitters: PubMed 26477546.

NM_014704.4(CEP104):c.1082_1091del (p.Pro361fs)

Gene: CEP104 (centrosomal protein 104; minus strand). Cytogenetic location: 1p36.32.
Variant type: Deletion.
Coding change: c.1082_1091del on transcript NM_014704.4 (MANE Select); coding-DNA positions 1082 to 1091, 10 bases deleted (CGTTACTCCC; older notation c.1082_1091delCGTTACTCCC).
Protein change: p.Pro361fs; shifts the reading frame from proline 361.
Molecular consequence: frameshift variant.
Genome position (GRCh38, 1-based): chr1:3,837,320-3,837,329, GGGAGTAACG deleted on the plus strand (CGTTACTCCC on the coding strand, the reverse complement: CEP104 is on the minus strand); deleting any 10 consecutive bases within chr1:3,837,320-3,837,331 gives the same sequence; the c. name uses the placement nearest the transcript's 3' end. VCF-style (leftmost placement, unchanged base first): chr1-3837319-AGGGAGTAACG-A. GRCh37 (hg19) VCF-style: chr1-3753883-AGGGAGTAACG-A.
Other names: short protein forms P361fs.
Identifiers: ClinVar variation 542193 (VCV000542193.6), dbSNP rs776094913, ClinGen allele CA551736.